The following is an entry in ClinVar:

ClinVar aggregate classification (germline): Uncertain significance (3 of 4 stars; one submission).

Conditions:
Mitochondrial disease. Also called: Mitochondrial disorder; Mitochondrial disorders. Identifiers: Orphanet 68380, MedGen C0751651, MeSH D028361, MONDO:0044970.

Submission:

ClinGen Mitochondrial Disease Nuclear and Mitochondrial  Variant Curation Expert Panel, ClinGen
Classification: Uncertain significance for Mitochondrial disease. Last evaluated: 2023-02-27. Review status: reviewed by expert panel. Criteria: McCormick et al. (Hum Mutat. 2020). Collection method: curation. Allele origin: germline. Inheritance: Mitochondrial inheritance.
Comment: The m.12316G>A variant in MT-TL2 has been reported in three unrelated individuals with primary mitochondrial disease. The three individuals had chronic progressive external ophthalmoplegia (CPEO). Other features seen included peripheral neuropathy, myopathy, and exercise intolerance. Muscle biopsy in affected individuals revealed ragged red fibers, COX-negative fibers, and decreased activities of respiratory chain complexes I and IV. The levels of the variant in affected individuals ranged from 40-55.6% in muscle when reported. Levels in other tissues varied from undetectable to 10% (PS4_supporting; PMIDs: 23847141, 20163808, 18603265). There are no large families reported in the medical literature to consider for evidence of segregation. There are no reported de novo occurrences of this variant to our knowledge. The computational predictor MitoTIP suggests this variant impacts the function of this tRNA (83.7 percentile) as does HmtVar with a score of 0.6 (PP3). This variant is absent in the GenBank dataset, Helix dataset, and gnomAD v3.1.2 (PM2_supporting). Single fiber testing showed a higher degree of heteroplasmy in ragged red fibers (87.4% ± 8.5, n = 4) and COX-deficient fibers (59.7% ± 27.8, n = 4) compared to COX-positive muscle fibers (wild type mtDNA only, n = 6, Fig. 2). The difference between COX-positive and ragged red fibers was statistically significant (p<0.00001; PMID: 20163808; PS3_supporting). In summary, this variant meets criteria to be classified as uncertain significance for primary mitochondrial disease inherited in a mitochondrial manner. This classification was approved by the NICHD/NINDS U24 ClinGen Mitochondrial Disease Variant Curation Expert Panel on February 27, 2023. Mitochondrial DNA-specific ACMG/AMP criteria applied (PMID: 32906214): PS4_supporting, PM2_supporting, PP3, PS3_supporting.

NC_012920.1(MT-TL2):m.12316G>A

Gene: MT-TL2 (mitochondrially encoded tRNA leucine 2 (CUN); plus strand).
Variant type: single nucleotide variant.
Genome position: chrM-12316-G-A.
Identifiers: ClinVar variation 986496 (VCV000986496.1), dbSNP rs2521971003, ClinGen allele CA913170089.